The following is an entry in ClinVar:

NM_182914.3(SYNE2):c.6143A>T (p.Asp2048Val)

Gene: SYNE2 (spectrin repeat containing nuclear envelope protein 2; plus strand). Cytogenetic location: 14q23.2.
Variant type: single nucleotide variant.
Coding change: c.6143A>T on transcript NM_182914.3 (MANE Select); coding-DNA position 6143, A replaced by T.
Protein change: p.Asp2048Val; replaces aspartic acid 2048 with valine.
Molecular consequence: missense variant.
Genome position (GRCh38, 1-based): chr14:64,025,312, A>T. VCF-style: chr14-64025312-A-T. GRCh37 (hg19) VCF-style: chr14-64492030-A-T.
Other names: c.6143A>T, p.Asp2048Val (NM_015180.6); short protein forms D2048V.
Identifiers: ClinVar variation 2632573 (VCV002632573.1), dbSNP rs751378753, ClinGen allele CA389946517.

ClinVar aggregate classification (germline): Uncertain significance (1 of 4 stars; one submission).

Conditions:
SYNE2-related disorder. Also called: SYNE2-related condition.

Submission:

PreventionGenetics, part of Exact Sciences
Classification: Uncertain significance for SYNE2-related condition. Last evaluated: 2023-07-20. Review status: criteria provided, single submitter. Criteria: ACMG Guidelines, 2015. Collection method: clinical testing. Allele origin: germline.
Comment: The SYNE2 c.6143A>T variant is predicted to result in the amino acid substitution p.Asp2048Val. To our knowledge, this variant has not been reported in the literature or in a large population database, indicating this variant is rare. At this time, the clinical significance of this variant is uncertain due to the absence of conclusive functional and genetic evidence.